The following is an entry in ClinVar:

NM_006610.4(MASP2):c.1130T>C (p.Val377Ala)

Gene: MASP2 (MBL associated serine protease 2; minus strand). Cytogenetic location: 1p36.22.
Variant type: single nucleotide variant.
Coding change: c.1130T>C on transcript NM_006610.4 (MANE Select); coding-DNA position 1130, T replaced by C.
Protein change: p.Val377Ala; replaces valine 377 with alanine.
Molecular consequence: missense variant.
Genome position (GRCh38, 1-based): chr1:11,030,840, A>G on the plus strand (T>C on the coding strand, the complement: MASP2 is on the minus strand). VCF-style: chr1-11030840-A-G. GRCh37 (hg19) VCF-style: chr1-11090897-A-G.
Other names: short protein forms V377A.
Identifiers: ClinVar variation 291785 (VCV000291785.8), dbSNP rs2273346, ClinGen allele CA586782.

ClinVar aggregate classification (germline): Benign/Likely benign. Review status: criteria provided, multiple submitters, no conflicts (2 of 4 stars). 4 submissions from 4 submitters: Benign (3); Likely benign (1). Last evaluated 2026-01-21.

Conditions:
Immunodeficiency due to MASP-2 deficiency. Also called: MASP2 deficiency; LECTIN COMPLEMENT ACTIVATION PATHWAY, DEFECT IN, 2. Identifiers: Orphanet 331187, MedGen C3151085, MONDO:0013423, OMIM 613791.

Allele frequency attached by ClinVar (database versions not stated): gnomAD exomes 0.03019 and 0.05025; ExAC 0.05285; ESP Exome Variant Server 0.05536; gnomAD 0.05757 and 0.06032; TOPMed 0.06416; 1000 Genomes Project 30x 0.11446; 1000 Genomes Project 0.11841.
gnomAD v4.1: 54,193 of 1,613,664 alleles (3.4%); highest among the groups gnomAD compares: East Asian, 19%; 2,381 homozygotes.

Submissions (4):

Women's Health and Genetics/Laboratory Corporation of America, LabCorp
Classification: Likely benign. Last evaluated: 2026-01-21. Review status: criteria provided, single submitter. Criteria: LabCorp Variant Classification Summary - May 2015. Collection method: clinical testing. Allele origin: germline.

Mayo Clinic Laboratories, Mayo Clinic
Classification: Benign. Last evaluated: 2025-10-08. Review status: criteria provided, single submitter. Criteria: ACMG Guidelines, 2015. Collection method: clinical testing. Allele origin: germline. Observed: 1 variant allele.
Comment: BA1, BP4_moderate

Illumina Laboratory Services, Illumina
Classification: Benign for Immunodeficiency due to MASP-2 deficiency. Last evaluated: 2018-03-06. Review status: criteria provided, single submitter. Criteria: ICSL Variant Classification Criteria 13 December 2019. Collection method: clinical testing. Allele origin: germline.
Comment: This variant was observed in the ICSL laboratory as part of a predisposition screen in an ostensibly healthy population. It had not been previously curated by ICSL or reported in the Human Gene Mutation Database (HGMD: prior to June 1st, 2018), and was therefore a candidate for classification through an automated scoring system. Utilizing variant allele frequency, disease prevalence and penetrance estimates, and inheritance mode, an automated score was calculated to assess if this variant is too frequent to cause the disease. Based on the score and internal cut-off values, a variant classified as benign is not then subjected to further curation. The score for this variant resulted in a classification of benign for this disease.

Breakthrough Genomics
Classification: Benign. Review status: criteria provided, single submitter. Criteria: ACMG Guidelines, 2015. Collection method: not provided. Allele origin: germline. Inheritance: Autosomal recessive inheritance. Affected: yes.

Literature cited by the submitters: PubMed 17252003 (cited by Mayo Clinic Laboratories, Mayo Clinic); PubMed 19234189 (cited by Mayo Clinic Laboratories, Mayo Clinic).